The following is an entry in ClinVar:

NM_005559.4(LAMA1):c.768+5G>A

Gene: LAMA1 (laminin subunit alpha 1; minus strand). Cytogenetic location: 18p11.31.
Variant type: single nucleotide variant.
Coding change: c.768+5G>A on transcript NM_005559.4 (MANE Select); 5 bases into the intron after coding-DNA position 768, G replaced by A.
Molecular consequence: intron variant.
Genome position (GRCh38, 1-based): chr18:7,049,073, C>T on the plus strand (G>A on the coding strand, the complement: LAMA1 is on the minus strand). VCF-style: chr18-7049073-C-T. GRCh37 (hg19) VCF-style: chr18-7049072-C-T.
Identifiers: ClinVar variation 1723358 (VCV001723358.1), dbSNP rs2510095098, ClinGen allele CA2580095908.
Genomic context (GRCh38, chr18:7,049,073, plus strand): 5'-AATAGTTCCTTTAAATAAAATGAATCTTTTTATTTTATTTGGCAGGACTGCCGTCCCATA[C>T]TCACGCGTCTGGTAACAATAGGATCCAGTTCTTTAGGTTCCCGGTGGCTAAGGGTCATGA-3'

ClinVar aggregate classification (germline): Uncertain significance (1 of 4 stars; one submission).

Allele frequency attached by ClinVar (database versions not stated): gnomAD exomes below 0.00001.
gnomAD v4.1: 6 of 1,613,200 alleles (0.00037%); highest among the groups gnomAD compares: Non-Finnish European, 0.00051%; no homozygotes.

Submission:

Women's Health and Genetics/Laboratory Corporation of America, LabCorp
Classification: Uncertain significance. Last evaluated: 2022-10-20. Review status: criteria provided, single submitter. Criteria: LabCorp Variant Classification Summary - May 2015. Collection method: clinical testing. Allele origin: germline.
Comment: Variant summary: LAMA1 c.768+5G>A alters a conserved nucleotide located close to a canonical splice site and therefore could affect mRNA splicing, leading to a significantly altered protein sequence. Several computational tools predict a significant impact on normal splicing: Four predict the variant abolishes a canonical 5' splicing donor site. However, these predictions have yet to be confirmed by functional studies. The variant was absent in 251376 control chromosomes (gnomAD). The available data on variant occurrences in the general population are insufficient to allow any conclusion about variant significance. To our knowledge, no occurrence of c.768+5G>A in individuals affected with Ataxia-Intellectual Disability-Oculomotor Apraxia-Cerebellar Cysts Syndrome and no experimental evidence demonstrating its impact on protein function have been reported. No clinical diagnostic laboratories have submitted clinical-significance assessments for this variant to ClinVar after 2014. Based on the evidence outlined above, the variant was classified as uncertain significance.